The following is an entry in ClinVar:

ClinVar aggregate classification (germline): Benign. Review status: criteria provided, single submitter (1 of 4 stars). 2 submissions from 1 submitter: Benign (2). Last evaluated 2018-01-13.

Conditions:
Autosomal dominant centronuclear myopathy. Also called: MYOTUBULAR MYOPATHY, AUTOSOMAL DOMINANT; Myopathy, centronuclear, 3. Identifiers: Orphanet 169189, MedGen C4551952, MeSH D020914, MONDO:0008048, OMIM 160150.
Charcot-Marie-Tooth disease dominant intermediate B (CMTDIB). Also called: CHARCOT-MARIE-TOOTH NEUROPATHY, DOMINANT INTERMEDIATE B; Charcot-Marie-Tooth disease dominant intermediate 1; CMT DI1; Charcot-Marie-Tooth disease dominant intermediate I. Identifiers: Orphanet 100044, Orphanet 228179, MedGen C1847902, MONDO:0011674, OMIM 606482.

Allele frequency attached by ClinVar (database versions not stated): gnomAD exomes 0.00002; gnomAD 0.00016 and 0.00017; TOPMed 0.00017; 1000 Genomes Project 30x 0.00078; 1000 Genomes Project 0.00080.
gnomAD v4.1: 53 of 988,182 alleles (0.0054%); highest among the groups gnomAD compares: East Asian, 0.27%; no homozygotes.

Submissions (2):

Illumina Laboratory Services, Illumina
Classification: Benign for Autosomal dominant centronuclear myopathy. Last evaluated: 2018-01-13. Review status: criteria provided, single submitter. Criteria: ICSL Variant Classification Criteria 13 December 2019. Collection method: clinical testing. Allele origin: germline.
Comment: This variant was observed in the ICSL laboratory as part of a predisposition screen in an ostensibly healthy population. It had not been previously curated by ICSL or reported in the Human Gene Mutation Database (HGMD: prior to June 1st, 2018), and was therefore a candidate for classification through an automated scoring system. Utilizing variant allele frequency, disease prevalence and penetrance estimates, and inheritance mode, an automated score was calculated to assess if this variant is too frequent to cause the disease. Based on the score and internal cut-off values, a variant classified as benign is not then subjected to further curation. The score for this variant resulted in a classification of benign for this disease.

Illumina Laboratory Services, Illumina
Classification: Benign for Charcot-Marie-Tooth disease dominant intermediate B. Last evaluated: 2018-01-13. Review status: criteria provided, single submitter. Criteria: ICSL Variant Classification Criteria 13 December 2019. Collection method: clinical testing. Allele origin: germline.
Comment: the same text as in the submission from Illumina Laboratory Services, Illumina above.

NM_001005361.3(DNM2):c.*453C>T

Gene: DNM2 (dynamin 2; plus strand). Cytogenetic location: 19p13.2.
Variant type: single nucleotide variant.
Coding change: c.*453C>T on transcript NM_001005361.3 (MANE Select); 453 bases downstream of the stop codon, C replaced by T.
Molecular consequence: 3 prime UTR variant.
Genome position (GRCh38, 1-based): chr19:10,831,500, C>T. VCF-style: chr19-10831500-C-T. GRCh37 (hg19) VCF-style: chr19-10942176-C-T.
Other names: c.*453C>T (NM_001005360.3, NM_001005362.3, NM_001190716.2 and 1 more transcripts).
Identifiers: ClinVar variation 328010 (VCV000328010.5), dbSNP rs200104482, ClinGen allele CA10648195.